The following is an entry in ClinVar:

NM_021800.3(DNAJC12):c.430G>T (p.Ala144Ser)

Gene: DNAJC12 (DnaJ heat shock protein family (Hsp40) member C12; minus strand). Cytogenetic location: 10q21.3.
Variant type: single nucleotide variant.
Coding change: c.430G>T on transcript NM_021800.3 (MANE Select); coding-DNA position 430, G replaced by T.
Protein change: p.Ala144Ser; replaces alanine 144 with serine.
Molecular consequence: missense variant.
Genome position (GRCh38, 1-based): chr10:67,805,655, C>A on the plus strand (G>T on the coding strand, the complement: DNAJC12 is on the minus strand). VCF-style: chr10-67805655-C-A. GRCh37 (hg19) VCF-style: chr10-69565413-C-A.
Other names: p.Ala144Ser; c.430G>T (NM_021800.2); short protein forms A144S.
Identifiers: ClinVar variation 1346778 (VCV001346778.14), dbSNP rs74142901, ClinGen allele CA5520809.

ClinVar aggregate classification (germline): Uncertain significance. Review status: criteria provided, multiple submitters, no conflicts (2 of 4 stars). 6 submissions from 6 submitters: Uncertain significance (6). Last evaluated 2026-01-24.

Conditions:
Inborn genetic diseases. Identifiers: MedGen C0950123, MeSH D030342.

gnomAD v4.1: 207 of 1,613,554 alleles (0.013%); highest among the groups gnomAD compares: Middle Eastern, 0.016%; no homozygotes.

Submissions (6):

GeneDx
Classification: Uncertain significance. Last evaluated: 2026-01-24. Review status: criteria provided, single submitter. Criteria: GeneDx Variant Classification Process June 2021. Collection method: clinical testing. Allele origin: germline.
Comment: In silico analysis suggests that this missense variant does not alter protein structure/function; Has not been previously published as pathogenic or benign to our knowledge

CeGaT Center for Human Genetics Tuebingen
Classification: Uncertain significance. Last evaluated: 2025-09-01. Review status: criteria provided, single submitter. Criteria: CeGaT Center For Human Genetics Tuebingen Variant Classification Criteria Version 2. Collection method: clinical testing. Allele origin: germline. Affected: yes. Observed: 1 variant allele.
Comment: DNAJC12: PM2, BP4

Mayo Clinic Laboratories, Mayo Clinic
Classification: Uncertain significance. Last evaluated: 2025-05-23. Review status: criteria provided, single submitter. Criteria: ACMG Guidelines, 2015. Collection method: clinical testing. Allele origin: germline. Observed: 2 variant alleles.
Comment: BP4_strong

Ambry Genetics
Classification: Uncertain significance for Inborn genetic diseases. Last evaluated: 2024-12-24. Review status: criteria provided, single submitter. Criteria: Ambry Variant Classification Scheme 2023. Collection method: clinical testing. Allele origin: germline.

Blueprint Genetics
Classification: Uncertain significance. Last evaluated: 2024-11-13. Review status: criteria provided, single submitter. Criteria: ACMG Guidelines, 2015. Collection method: clinical testing. Allele origin: germline.

Labcorp Genetics (formerly Invitae), Labcorp
Classification: Uncertain significance. Last evaluated: 2022-10-03. Review status: criteria provided, single submitter. Criteria: Invitae Variant Classification Sherloc (09022015). Collection method: clinical testing. Allele origin: germline.
Comment: This sequence change replaces alanine, which is neutral and non-polar, with serine, which is neutral and polar, at codon 144 of the DNAJC12 protein (p.Ala144Ser). This variant is present in population databases (rs74142901, gnomAD 0.02%). This variant has not been reported in the literature in individuals affected with DNAJC12-related conditions. ClinVar contains an entry for this variant (Variation ID: 1346778). Algorithms developed to predict the effect of missense changes on protein structure and function (SIFT, PolyPhen-2, Align-GVGD) all suggest that this variant is likely to be tolerated. In summary, the available evidence is currently insufficient to determine the role of this variant in disease. Therefore, it has been classified as a Variant of Uncertain Significance.